The following continues an entry in ClinVar:

NM_006623.4(PHGDH):c.792+6T>G

Gene: PHGDH. ClinVar aggregate classification (germline): Benign/Likely benign. Benign (7); Likely benign (3).

Submissions 32 to 71 of 71:

Dr. Peter K. Rogan Lab, Western University
No classification provided (evidence only). Condition: Thymoma. Review status: no classification provided. Collection method: in vitro. Allele origin: not applicable. Functional consequence: skipped exon. Not counted in ClinVar's aggregate classification.

Dr. Peter K. Rogan Lab, Western University
No classification provided (evidence only). Condition: Thymoma. Review status: no classification provided. Collection method: in vitro. Allele origin: not applicable. Functional consequence: skipped exon. Not counted in ClinVar's aggregate classification.

Dr. Peter K. Rogan Lab, Western University
No classification provided (evidence only). Condition: Cholangiocarcinoma. Review status: no classification provided. Collection method: in vitro. Allele origin: not applicable. Functional consequence: retained intron. Not counted in ClinVar's aggregate classification.

Dr. Peter K. Rogan Lab, Western University
No classification provided (evidence only). Condition: Ovarian serous cystadenocarcinoma. Review status: no classification provided. Collection method: in vitro. Allele origin: not applicable. Functional consequence: retained intron. Not counted in ClinVar's aggregate classification.

Dr. Peter K. Rogan Lab, Western University
No classification provided (evidence only). Condition: Ovarian serous cystadenocarcinoma. Review status: no classification provided. Collection method: in vitro. Allele origin: not applicable. Functional consequence: retained intron. Not counted in ClinVar's aggregate classification.

Dr. Peter K. Rogan Lab, Western University
No classification provided (evidence only). Condition: Ovarian serous cystadenocarcinoma. Review status: no classification provided. Collection method: in vitro. Allele origin: not applicable. Functional consequence: retained intron. Not counted in ClinVar's aggregate classification.

Dr. Peter K. Rogan Lab, Western University
No classification provided (evidence only). Condition: Uveal melanoma. Review status: no classification provided. Collection method: in vitro. Allele origin: not applicable. Functional consequence: skipped exon, retained intron. Not counted in ClinVar's aggregate classification.

Dr. Peter K. Rogan Lab, Western University
No classification provided (evidence only). Condition: Uveal melanoma. Review status: no classification provided. Collection method: in vitro. Allele origin: not applicable. Functional consequence: skipped exon. Not counted in ClinVar's aggregate classification.

Dr. Peter K. Rogan Lab, Western University
No classification provided (evidence only). Condition: Lymphoma. Review status: no classification provided. Collection method: in vitro. Allele origin: not applicable. Functional consequence: skipped exon, retained intron. Not counted in ClinVar's aggregate classification.

Dr. Peter K. Rogan Lab, Western University
No classification provided (evidence only). Condition: Lymphoma. Review status: no classification provided. Collection method: in vitro. Allele origin: not applicable. Functional consequence: skipped exon, retained intron. Not counted in ClinVar's aggregate classification.

Dr. Peter K. Rogan Lab, Western University
No classification provided (evidence only). Condition: Familial cancer of breast. Review status: no classification provided. Collection method: in vitro. Allele origin: not applicable. Functional consequence: skipped exon, retained intron. Not counted in ClinVar's aggregate classification.

Dr. Peter K. Rogan Lab, Western University
No classification provided (evidence only). Condition: Acute myeloid leukemia. Review status: no classification provided. Collection method: in vitro. Allele origin: not applicable. Functional consequence: skipped exon. Not counted in ClinVar's aggregate classification.

Dr. Peter K. Rogan Lab, Western University
No classification provided (evidence only). Condition: Cervical cancer. Review status: no classification provided. Collection method: in vitro. Allele origin: not applicable. Functional consequence: skipped exon, retained intron. Not counted in ClinVar's aggregate classification.

Dr. Peter K. Rogan Lab, Western University
No classification provided (evidence only). Condition: Cervical cancer. Review status: no classification provided. Collection method: in vitro. Allele origin: not applicable. Functional consequence: skipped exon, retained intron. Not counted in ClinVar's aggregate classification.

Dr. Peter K. Rogan Lab, Western University
No classification provided (evidence only). Condition: Sarcoma. Review status: no classification provided. Collection method: in vitro. Allele origin: not applicable. Functional consequence: skipped exon. Not counted in ClinVar's aggregate classification.

Dr. Peter K. Rogan Lab, Western University
No classification provided (evidence only). Condition: Sarcoma. Review status: no classification provided. Collection method: in vitro. Allele origin: not applicable. Functional consequence: skipped exon, retained intron. Not counted in ClinVar's aggregate classification.

Dr. Peter K. Rogan Lab, Western University
No classification provided (evidence only). Condition: Thymoma. Review status: no classification provided. Collection method: in vitro. Allele origin: not applicable. Functional consequence: skipped exon, retained intron. Not counted in ClinVar's aggregate classification.

Dr. Peter K. Rogan Lab, Western University
No classification provided (evidence only). Condition: Thymoma. Review status: no classification provided. Collection method: in vitro. Allele origin: not applicable. Functional consequence: retained intron. Not counted in ClinVar's aggregate classification.

Dr. Peter K. Rogan Lab, Western University
No classification provided (evidence only). Condition: Ovarian serous cystadenocarcinoma. Review status: no classification provided. Collection method: in vitro. Allele origin: not applicable. Functional consequence: retained intron. Not counted in ClinVar's aggregate classification.

Dr. Peter K. Rogan Lab, Western University
No classification provided (evidence only). Condition: Ovarian serous cystadenocarcinoma. Review status: no classification provided. Collection method: in vitro. Allele origin: not applicable. Functional consequence: retained intron. Not counted in ClinVar's aggregate classification.

Dr. Peter K. Rogan Lab, Western University
No classification provided (evidence only). Condition: Ovarian serous cystadenocarcinoma. Review status: no classification provided. Collection method: in vitro. Allele origin: not applicable. Functional consequence: retained intron. Not counted in ClinVar's aggregate classification.

Dr. Peter K. Rogan Lab, Western University
No classification provided (evidence only). Condition: Gastric cancer. Review status: no classification provided. Collection method: in vitro. Allele origin: not applicable. Functional consequence: retained intron. Not counted in ClinVar's aggregate classification.

Dr. Peter K. Rogan Lab, Western University
No classification provided (evidence only). Condition: Malignant tumor of esophagus. Review status: no classification provided. Collection method: in vitro. Allele origin: not applicable. Functional consequence: retained intron. Not counted in ClinVar's aggregate classification.

Dr. Peter K. Rogan Lab, Western University
No classification provided (evidence only). Condition: Malignant tumor of esophagus. Review status: no classification provided. Collection method: in vitro. Allele origin: not applicable. Functional consequence: skipped exon, retained intron. Not counted in ClinVar's aggregate classification.

Dr. Peter K. Rogan Lab, Western University
No classification provided (evidence only). Condition: Lymphoma. Review status: no classification provided. Collection method: in vitro. Allele origin: not applicable. Functional consequence: skipped exon, retained intron. Not counted in ClinVar's aggregate classification.

Dr. Peter K. Rogan Lab, Western University
No classification provided (evidence only). Condition: Ovarian cancer. Review status: no classification provided. Collection method: in vitro. Allele origin: not applicable. Functional consequence: skipped exon, retained intron. Not counted in ClinVar's aggregate classification.

Dr. Peter K. Rogan Lab, Western University
No classification provided (evidence only). Condition: Lung cancer. Review status: no classification provided. Collection method: in vitro. Allele origin: not applicable. Functional consequence: skipped exon, retained intron. Not counted in ClinVar's aggregate classification.

Dr. Peter K. Rogan Lab, Western University
No classification provided (evidence only). Condition: Uterine corpus endometrial carcinoma. Review status: no classification provided. Collection method: in vitro. Allele origin: not applicable. Functional consequence: skipped exon, retained intron. Not counted in ClinVar's aggregate classification.

Dr. Peter K. Rogan Lab, Western University
No classification provided (evidence only). Condition: Uterine corpus endometrial carcinoma. Review status: no classification provided. Collection method: in vitro. Allele origin: not applicable. Functional consequence: skipped exon, retained intron. Not counted in ClinVar's aggregate classification.

Dr. Peter K. Rogan Lab, Western University
No classification provided (evidence only). Condition: Cervical cancer. Review status: no classification provided. Collection method: in vitro. Allele origin: not applicable. Functional consequence: skipped exon, retained intron. Not counted in ClinVar's aggregate classification.

Dr. Peter K. Rogan Lab, Western University
No classification provided (evidence only). Condition: Cervical cancer. Review status: no classification provided. Collection method: in vitro. Allele origin: not applicable. Functional consequence: skipped exon, retained intron. Not counted in ClinVar's aggregate classification.

Dr. Peter K. Rogan Lab, Western University
No classification provided (evidence only). Condition: Sarcoma. Review status: no classification provided. Collection method: in vitro. Allele origin: not applicable. Functional consequence: skipped exon, retained intron. Not counted in ClinVar's aggregate classification.

Dr. Peter K. Rogan Lab, Western University
No classification provided (evidence only). Condition: Thymoma. Review status: no classification provided. Collection method: in vitro. Allele origin: not applicable. Functional consequence: skipped exon, retained intron. Not counted in ClinVar's aggregate classification.

Dr. Peter K. Rogan Lab, Western University
No classification provided (evidence only). Condition: Thymoma. Review status: no classification provided. Collection method: in vitro. Allele origin: not applicable. Functional consequence: skipped exon. Not counted in ClinVar's aggregate classification.

Dr. Peter K. Rogan Lab, Western University
No classification provided (evidence only). Condition: Thymoma. Review status: no classification provided. Collection method: in vitro. Allele origin: not applicable. Functional consequence: skipped exon, retained intron. Not counted in ClinVar's aggregate classification.

Dr. Peter K. Rogan Lab, Western University
No classification provided (evidence only). Condition: Ovarian serous cystadenocarcinoma. Review status: no classification provided. Collection method: in vitro. Allele origin: not applicable. Functional consequence: retained intron. Not counted in ClinVar's aggregate classification.

Dr. Peter K. Rogan Lab, Western University
No classification provided (evidence only). Condition: Uterine carcinosarcoma. Review status: no classification provided. Collection method: in vitro. Allele origin: not applicable. Functional consequence: skipped exon, retained intron. Not counted in ClinVar's aggregate classification.

Dr. Peter K. Rogan Lab, Western University
No classification provided (evidence only). Condition: Uterine carcinosarcoma. Review status: no classification provided. Collection method: in vitro. Allele origin: not applicable. Functional consequence: skipped exon, retained intron. Not counted in ClinVar's aggregate classification.

Dr. Peter K. Rogan Lab, Western University
No classification provided (evidence only). Condition: Malignant tumor of esophagus. Review status: no classification provided. Collection method: in vitro. Allele origin: not applicable. Functional consequence: retained intron. Not counted in ClinVar's aggregate classification.

Dr. Peter K. Rogan Lab, Western University
No classification provided (evidence only). Condition: Ovarian cancer. Review status: no classification provided. Collection method: in vitro. Allele origin: not applicable. Functional consequence: skipped exon. Not counted in ClinVar's aggregate classification.

Literature cited by the submitters: PubMed 37653029 (cited by Athena Diagnostics); PubMed 36163279 (cited by Athena Diagnostics).